The following is an entry in ClinVar:

ClinVar aggregate classification (germline): Likely benign. Review status: criteria provided, multiple submitters, no conflicts (2 of 4 stars). 4 submissions from 4 submitters: Likely benign (4). Last evaluated 2025-10-09.

Conditions:
Hereditary cancer-predisposing syndrome. Also called: Neoplastic Syndromes, Hereditary; Hereditary Cancer Syndrome; Tumor predisposition; Hereditary neoplastic syndrome. Identifiers: Orphanet 140162, MedGen C0027672, MeSH D009386, MONDO:0015356.
Microcephaly, normal intelligence and immunodeficiency (NBS). Also called: Immunodeficiency, microcephaly with normal intelligence; BERLIN BREAKAGE SYNDROME; SEEMANOVA SYNDROME II; Ataxia telangiectasia variant V1; Nijmegen breakage syndrome; Microcephaly with normal intelligence immunodeficiency and lymphoreticular malignancies. Identifiers: Orphanet 647, MedGen C0398791, MONDO:0009623, OMIM 251260.

Allele frequency attached by ClinVar (database versions not stated): gnomAD exomes below 0.00001 and 0.00001; gnomAD 0.00001; TOPMed 0.00001; ExAC 0.00002.
gnomAD v4.1: 6 of 1,613,682 alleles (0.00037%); highest among the groups gnomAD compares: South Asian, 0.0011%; no homozygotes.

Submissions (4):

Labcorp Genetics (formerly Invitae), Labcorp
Classification: Likely benign for Microcephaly, normal intelligence and immunodeficiency. Last evaluated: 2025-10-09. Review status: criteria provided, single submitter. Criteria: Invitae Variant Classification Sherloc (09022015). Collection method: clinical testing. Allele origin: germline.

CeGaT Center for Human Genetics Tuebingen
Classification: Likely benign. Last evaluated: 2024-06-01. Review status: criteria provided, single submitter. Criteria: CeGaT Center For Human Genetics Tuebingen Variant Classification Criteria Version 2. Collection method: clinical testing. Allele origin: germline. Affected: yes. Observed: 2 variant alleles.
Comment: NBN: BP4, BP7

GeneDx
Classification: Likely benign. Last evaluated: 2020-02-24. Review status: criteria provided, single submitter. Criteria: GeneDx Variant Classification Process June 2021. Collection method: clinical testing. Allele origin: germline. Affected: yes.

Ambry Genetics
Classification: Likely benign for Hereditary cancer-predisposing syndrome. Last evaluated: 2015-06-10. Review status: criteria provided, single submitter. Criteria: Ambry Variant Classification Scheme 2023. Collection method: clinical testing. Allele origin: germline.

NM_002485.5(NBN):c.2151A>G (p.Thr717=)

Gene: NBN (nibrin; minus strand). Cytogenetic location: 8q21.3.
Variant type: single nucleotide variant.
Coding change: c.2151A>G on transcript NM_002485.5 (MANE Select); coding-DNA position 2151, A replaced by G.
Protein change: p.Thr717=; no amino-acid change (threonine 717 retained).
Molecular consequence: synonymous variant.
Genome position (GRCh38, 1-based): chr8:89,943,286, T>C on the plus strand (A>G on the coding strand, the complement: NBN is on the minus strand). VCF-style: chr8-89943286-T-C. GRCh37 (hg19) VCF-style: chr8-90955514-T-C.
Other names: c.1905A>G, p.Thr635= (NM_001024688.3).
Identifiers: ClinVar variation 232256 (VCV000232256.39), dbSNP rs760687282, ClinGen allele CA4802598.